The following is an entry in ClinVar:

NM_024652.6(LRRK1):c.4051A>G (p.Arg1351Gly)

Genes: LRRK1 (leucine rich repeat kinase 1; plus strand), LRRK1-AS1 (LRRK1 antisense RNA 1; minus strand). Cytogenetic location: 15q26.3.
Variant type: single nucleotide variant.
Coding change: c.4051A>G on transcript NM_024652.6 (MANE Select); coding-DNA position 4051, A replaced by G.
Protein change: p.Arg1351Gly; replaces arginine 1351 with glycine.
Molecular consequence: missense variant.
Genome position (GRCh38, 1-based): chr15:101,053,417, A>G. VCF-style: chr15-101053417-A-G. GRCh37 (hg19) VCF-style: chr15-101593622-A-G.
Other names: c.4051A>G (NM_024652.3); short protein forms R1351G.
Identifiers: ClinVar variation 2110382 (VCV002110382.5), dbSNP rs1304127213, ClinGen allele CA393953844.
Genomic context (GRCh38, chr15:101,053,417, plus strand): 5'-TGCTTCGCCCTGGAGCTCGCGCCGCTCAGCAGCCTCAACACCGTGCTGTCCGAGAACGCC[A>G]GAGGTACCGCGGCGCGCCGCCCCACCCGGCCCCGGAGACCGACAGAGCCCCGGGCGCCTC-3'
Protein context (NP_078928.3, residues 1341-1361): SLNTVLSENA[Arg1351Gly]DSSFIPLGHM

ClinVar aggregate classification (germline): Uncertain significance. Review status: criteria provided, multiple submitters, no conflicts (2 of 4 stars). 2 submissions from 2 submitters: Uncertain significance (2). Last evaluated 2025-08-10.

Conditions:
Inborn genetic diseases. Identifiers: MedGen C0950123, MeSH D030342.

Allele frequency attached by ClinVar (database versions not stated): gnomAD exomes 0.00001.
gnomAD v4.1: 9 of 1,587,304 alleles (0.00057%); highest among the groups gnomAD compares: Non-Finnish European, 0.00077%; no homozygotes.

Submissions (2):

Ambry Genetics
Classification: Uncertain significance for Inborn genetic diseases. Last evaluated: 2025-08-10. Review status: criteria provided, single submitter. Criteria: Ambry Variant Classification Scheme 2023. Collection method: clinical testing. Allele origin: germline.

Labcorp Genetics (formerly Invitae), Labcorp
Classification: Uncertain significance. Last evaluated: 2023-08-10. Review status: criteria provided, single submitter. Criteria: Invitae Variant Classification Sherloc (09022015). Collection method: clinical testing. Allele origin: germline.
Comment: In summary, the available evidence is currently insufficient to determine the role of this variant in disease. Therefore, it has been classified as a Variant of Uncertain Significance. An algorithm developed to predict the effect of missense changes on protein structure and function (PolyPhen-2) suggests that this variant is likely to be tolerated. ClinVar contains an entry for this variant (Variation ID: 2110382). This variant has not been reported in the literature in individuals affected with LRRK1-related conditions. The frequency data for this variant in the population databases is considered unreliable, as metrics indicate poor data quality at this position in the gnomAD database. This sequence change replaces arginine, which is basic and polar, with glycine, which is neutral and non-polar, at codon 1351 of the LRRK1 protein (p.Arg1351Gly).